The following is an entry in ClinVar:

NM_005961.3(MUC6):c.6963C>T (p.Ser2321=)

Gene: MUC6 (mucin 6, oligomeric mucus/gel-forming (gene/pseudogene); minus strand). Cytogenetic location: 11p15.5.
Variant type: single nucleotide variant.
Coding change: c.6963C>T on transcript NM_005961.3 (MANE Select); coding-DNA position 6963, C replaced by T.
Protein change: p.Ser2321=; no amino-acid change (serine 2321 retained).
Molecular consequence: synonymous variant.
Genome position (GRCh38, 1-based): chr11:1,015,838, G>A on the plus strand (C>T on the coding strand, the complement: MUC6 is on the minus strand). VCF-style: chr11-1015838-G-A. GRCh37 (hg19) VCF-style: chr11-1015838-G-A.
Identifiers: ClinVar variation 3905203 (VCV003905203.10).

ClinVar aggregate classification (germline): Likely benign (1 of 4 stars; one submission).

gnomAD v4.1: 463 of 1,592,524 alleles (0.029%); highest among the groups gnomAD compares: South Asian, 0.51%; 6 homozygotes.

Submission:

CeGaT Center for Human Genetics Tuebingen
Classification: Likely benign. Last evaluated: 2025-06-01. Review status: criteria provided, single submitter. Criteria: CeGaT Center For Human Genetics Tuebingen Variant Classification Criteria Version 2. Collection method: clinical testing. Allele origin: germline. Affected: yes. Observed: 1 variant allele.
Comment: MUC6: BP4, BP7